The following is an entry in ClinVar:

ClinVar aggregate classification (germline): Uncertain significance. Review status: criteria provided, multiple submitters, no conflicts (2 of 4 stars). 2 submissions from 2 submitters: Uncertain significance (2). Last evaluated 2025-10-05.

Conditions:
Hereditary cancer-predisposing syndrome. Also called: Neoplastic Syndromes, Hereditary; Hereditary Cancer Syndrome; Tumor predisposition; Hereditary neoplastic syndrome. Identifiers: Orphanet 140162, MedGen C0027672, MeSH D009386, MONDO:0015356.
Breast-ovarian cancer, familial, susceptibility to, 4. Identifiers: Orphanet 145, MedGen C3280345, MONDO:0013669, OMIM 614291.

Submissions (2):

Labcorp Genetics (formerly Invitae), Labcorp
Classification: Uncertain significance for Breast-ovarian cancer, familial, susceptibility to, 4. Last evaluated: 2025-10-05. Review status: criteria provided, single submitter. Criteria: Invitae Variant Classification Sherloc (09022015). Collection method: clinical testing. Allele origin: germline.
Comment: This sequence change replaces leucine, which is neutral and non-polar, with proline, which is neutral and non-polar, at codon 4 of the RAD51D protein (p.Leu4Pro). This variant is not present in population databases (gnomAD no frequency). This variant has not been reported in the literature in individuals affected with RAD51D-related conditions. ClinVar contains an entry for this variant (Variation ID: 2849306). An algorithm developed to predict the effect of missense changes on protein structure and function (PolyPhen-2) suggests that this variant is likely to be disruptive. In summary, the available evidence is currently insufficient to determine the role of this variant in disease. Therefore, it has been classified as a Variant of Uncertain Significance.

Ambry Genetics
Classification: Uncertain significance for Hereditary cancer-predisposing syndrome. Last evaluated: 2024-11-16. Review status: criteria provided, single submitter. Criteria: Ambry Variant Classification Scheme 2023. Collection method: clinical testing. Allele origin: germline.
Comment: The p.L4P variant (also known as c.11T>C), located in coding exon 1 of the RAD51D gene, results from a T to C substitution at nucleotide position 11. The leucine at codon 4 is replaced by proline, an amino acid with similar properties. This amino acid position is conserved. In addition, this alteration is predicted to be deleterious by in silico analysis. Based on the available evidence, the clinical significance of this variant remains unclear.

NM_002878.4(RAD51D):c.11T>C (p.Leu4Pro)

Genes: RAD51D (RAD51 paralog D; minus strand), RAD51L3-RFFL (RAD51L3-RFFL readthrough; minus strand). Cytogenetic location: 17q12.
Variant type: single nucleotide variant.
Coding change: c.11T>C on transcript NM_002878.4 (MANE Select); coding-DNA position 11, T replaced by C.
Protein change: p.Leu4Pro; replaces leucine 4 with proline.
Molecular consequence: missense variant. On other transcripts: non-coding transcript variant (2).
Genome position (GRCh38, 1-based): chr17:35,119,603, A>G on the plus strand (T>C on the coding strand, the complement: RAD51D is on the minus strand). VCF-style: chr17-35119603-A-G. GRCh37 (hg19) VCF-style: chr17-33446622-A-G.
Other names: c.11T>C, p.Leu4Pro (NM_001142571.2, NM_133629.3); short protein forms L4P.
Identifiers: ClinVar variation 2849306 (VCV002849306.4), dbSNP rs2142481000, ClinGen allele CA399092584.